The following is an entry in ClinVar:

ClinVar aggregate classification (germline): Uncertain significance (1 of 4 stars; one submission).

Submission:

GeneDx
Classification: Uncertain significance. Last evaluated: 2025-01-10. Review status: criteria provided, single submitter. Criteria: GeneDx Variant Classification Process June 2021. Collection method: clinical testing. Allele origin: germline. Affected: yes.
Comment: In silico analysis supports that this missense variant has a deleterious effect on protein structure/function; Has not been previously published as pathogenic or benign to our knowledge

NM_001014342.3(FLG2):c.1427C>T (p.Thr476Ile)

Genes: CCDST (cervical cancer associated DHX9 suppressive transcript; plus strand), FLG2 (filaggrin 2; minus strand). Cytogenetic location: 1q21.3.
Variant type: single nucleotide variant.
Coding change: c.1427C>T on transcript NM_001014342.3 (MANE Select); coding-DNA position 1427, C replaced by T.
Protein change: p.Thr476Ile; replaces threonine 476 with isoleucine.
Molecular consequence: missense variant.
Genome position (GRCh38, 1-based): chr1:152,356,359, G>A on the plus strand (C>T on the coding strand, the complement: FLG2 is on the minus strand). VCF-style: chr1-152356359-G-A. GRCh37 (hg19) VCF-style: chr1-152328835-G-A.
Other names: short protein forms T476I.
Identifiers: ClinVar variation 4056941 (VCV004056941.1).